The following is an entry in ClinVar:

NM_001291303.3(FAT4):c.14388G>A (p.Arg4796=)

Gene: FAT4 (FAT atypical cadherin 4; plus strand). Cytogenetic location: 4q28.1.
Variant type: single nucleotide variant.
Coding change: c.14388G>A on transcript NM_001291303.3 (MANE Select); coding-DNA position 14388, G replaced by A.
Protein change: p.Arg4796=; no amino-acid change (arginine 4796 retained).
Molecular consequence: synonymous variant.
Genome position (GRCh38, 1-based): chr4:125,491,204, G>A. VCF-style: chr4-125491204-G-A. GRCh37 (hg19) VCF-style: chr4-126412359-G-A.
Other names: c.14385G>A, p.Arg4795= (NM_001291285.3); c.14382G>A, p.Arg4794= (NM_024582.6).
Identifiers: ClinVar variation 513644 (VCV000513644.25), dbSNP rs149584153, ClinGen allele CA3074552.

ClinVar aggregate classification (germline): Likely benign. Review status: criteria provided, multiple submitters, no conflicts (2 of 4 stars). 3 submissions from 3 submitters: Likely benign (3). Last evaluated 2025-12-29.

Allele frequency attached by ClinVar (database versions not stated): TOPMed 0.00024; gnomAD exomes 0.00003 and 0.00009; ExAC 0.00006; ESP Exome Variant Server 0.00015; gnomAD 0.00023.
gnomAD v4.1: 96 of 1,614,034 alleles (0.0059%); highest among the groups gnomAD compares: African/African-American, 0.088%; 1 homozygote.

Submissions (3):

Labcorp Genetics (formerly Invitae), Labcorp
Classification: Likely benign. Last evaluated: 2025-12-29. Review status: criteria provided, single submitter. Criteria: Invitae Variant Classification Sherloc (09022015). Collection method: clinical testing. Allele origin: germline.

CeGaT Center for Human Genetics Tuebingen
Classification: Likely benign. Last evaluated: 2024-09-01. Review status: criteria provided, single submitter. Criteria: CeGaT Center For Human Genetics Tuebingen Variant Classification Criteria Version 2. Collection method: clinical testing. Allele origin: germline. Affected: yes. Observed: 1 variant allele.
Comment: FAT4: BP4, BP7

GeneDx
Classification: Likely benign. Last evaluated: 2019-11-05. Review status: criteria provided, single submitter. Criteria: GeneDx Variant Classification Process June 2021. Collection method: clinical testing. Allele origin: germline. Affected: yes.